The following is an entry in ClinVar:

ClinVar aggregate classification (germline): Uncertain significance. Review status: criteria provided, multiple submitters, no conflicts (2 of 4 stars). 2 submissions from 2 submitters: Uncertain significance (2). Last evaluated 2025-06-25.

Conditions:
Inborn genetic diseases. Identifiers: MedGen C0950123, MeSH D030342.

Submissions (2):

Ambry Genetics
Classification: Uncertain significance for Inborn genetic diseases. Last evaluated: 2025-06-25. Review status: criteria provided, single submitter. Criteria: Ambry Variant Classification Scheme 2023. Collection method: clinical testing. Allele origin: germline.

Laboratory for Molecular Medicine, Mass General Brigham Personalized Medicine
Classification: Uncertain significance. Last evaluated: 2019-06-17. Review status: criteria provided, single submitter. Criteria: LMM Criteria. Collection method: clinical testing. Allele origin: germline. Observed: 1 variant allele.
Comment: The p.Ala92Pro variant in FOXP1 has not been previously reported in affected individuals and was absent from large population studies. Computational prediction tools and conservation analyses do not provide strong support for or against an impact to the protein. In summary, the clinical significance of this variant is uncertain. ACMG/AMP Criteria applied: PM2.

NM_001349338.3(FOXP1):c.274G>C (p.Ala92Pro)

Gene: FOXP1 (forkhead box P1; minus strand). Cytogenetic location: 3p13.
Variant type: single nucleotide variant.
Coding change: c.274G>C on transcript NM_001349338.3 (MANE Select); coding-DNA position 274, G replaced by C.
Protein change: p.Ala92Pro; replaces alanine 92 with proline.
Molecular consequence: missense variant. On other transcripts: 5 prime UTR variant (5), non-coding transcript variant (2).
Genome position (GRCh38, 1-based): chr3:71,112,544, C>G on the plus strand (G>C on the coding strand, the complement: FOXP1 is on the minus strand). VCF-style: chr3-71112544-C-G. GRCh37 (hg19) VCF-style: chr3-71161695-C-G.
Other names: c.274G>C (NM_032682.5); c.274G>C, p.Ala92Pro (NM_001244808.3, NM_001244810.2, NM_001244812.3 and 5 more transcripts); c.-27G>C (NM_001244815.2, NM_001349337.2, NM_001349342.3 and 2 more transcripts); short protein forms A92P.
Identifiers: ClinVar variation 930001 (VCV000930001.5), dbSNP rs1388674903, ClinGen allele CA353563101.
Genomic context (GRCh38, chr3:71,112,544, plus strand): 5'-TCACTTATCCCAAAGGGTATAATGTCAATTTAAAAAGAAAAAGAATTGTTACCTGAAGAG[C>G]TGGTTGTTTGTCATTCCTCTTGGGAGATTTTAATCCACTAACTTGCTGCTGCTGTTGCTG-3'
Protein context (NP_001336267.1, residues 82-102): KSPKRNDKQP[Ala92Pro]LQVPVSVAMM